The following is an entry in ClinVar:

NM_001377304.1(GFI1B):c.869A>G (p.Asn290Ser)

Gene: GFI1B (growth factor independent 1B transcriptional repressor; plus strand). Cytogenetic location: 9q34.13.
Variant type: single nucleotide variant.
Coding change: c.869A>G on transcript NM_001377304.1 (MANE Select); coding-DNA position 869, A replaced by G.
Protein change: p.Asn290Ser; replaces asparagine 290 with serine.
Molecular consequence: missense variant.
Genome position (GRCh38, 1-based): chr9:132,990,926, A>G. VCF-style: chr9-132990926-A-G. GRCh37 (hg19) VCF-style: chr9-135866313-A-G.
Other names: c.731A>G, p.Asn244Ser (NM_001135031.2, NM_001377305.1); c.935A>G, p.Asn312Ser (NM_001371908.1); c.869A>G, p.Asn290Ser (NM_004188.8); short protein forms N244S, N290S, N312S.
Identifiers: ClinVar variation 2664801 (VCV002664801.1), dbSNP rs2539515591, ClinGen allele CA375381318.
Genomic context (GRCh38, chr9:132,990,926, plus strand): 5'-CTGCAGGTGAGAAGCCGCACAAGTGCCAGGTGTGCGGAAAGGCCTTCAGCCAGAGCTCCA[A>G]CCTCATCACCCACAGCCGCAAGCACACAGGCTTCAAGCCCTTCAGCTGTGAGCTGTGCAC-3'
Protein context (NP_001364233.1, residues 280-300): VCGKAFSQSS[Asn290Ser]LITHSRKHTG

ClinVar aggregate classification (germline): Uncertain significance (1 of 4 stars; one submission).

Conditions:
Platelet-type bleeding disorder 17 (BDPLT17). Also called: Thrombasthenia-thrombocytopenia, hereditary. Identifiers: Orphanet 721, MedGen C1861194, MONDO:0008553, OMIM 187900.

Submission:

Genetics and Molecular Pathology, SA Pathology
Classification: Uncertain significance for Platelet-type bleeding disorder 17. Last evaluated: 2022-06-29. Review status: criteria provided, single submitter. Criteria: ACMG Guidelines, 2015. Collection method: clinical testing. Allele origin: germline. Affected: yes.
Comment: The GFI1B c.869A>G variant is classified as VUS (PM1, PM2, PP3) The GFI1B c.869A>G variant is a single nucleotide change in exon 11/11 of the GFI1B gene, which is predicted to change the amino acid asparagine at position 290 in the protein to serine. This variant is absent from population databases (PM2). This variant is located in the conserved C2H2 Zinc Finger Domain, which is essential for DNA binding (Van der Meer, et al 2010; PMID: 20861919) (PM1). Computational predictions support a deleterious effect on the gene or gene product (PP3). This variant has not been reported in dbSNP, ClinVar or HGMD.

Literature cited by the submitters: PubMed 20861919.